The following is an entry in ClinVar:

ClinVar aggregate classification (germline): Uncertain significance (1 of 4 stars; one submission).

Conditions:
Ulnar-mammary syndrome (UMS). Also called: SCHINZEL SYNDROME; Ulnar-mammary syndrome of Pallister; PALLISTER ULNAR-MAMMARY SYNDROME. Identifiers: Orphanet 3138, MedGen C1866994, MONDO:0008411, OMIM 181450.

Allele frequency attached by ClinVar (database versions not stated): TOPMed below 0.00001.
gnomAD v4.1: 4 of 1,527,042 alleles (0.00026%); highest among the groups gnomAD compares: South Asian, 0.0012%; no homozygotes.

Submission:

Labcorp Genetics (formerly Invitae), Labcorp
Classification: Uncertain significance for Ulnar-mammary syndrome. Last evaluated: 2023-02-23. Review status: criteria provided, single submitter. Criteria: Invitae Variant Classification Sherloc (09022015). Collection method: clinical testing. Allele origin: germline.
Comment: This sequence change replaces threonine, which is neutral and polar, with methionine, which is neutral and non-polar, at codon 463 of the TBX3 protein (p.Thr463Met). In summary, the available evidence is currently insufficient to determine the role of this variant in disease. Therefore, it has been classified as a Variant of Uncertain Significance. An algorithm developed to predict the effect of missense changes on protein structure and function (PolyPhen-2) suggests that this variant is likely to be tolerated. This variant has not been reported in the literature in individuals affected with TBX3-related conditions. The frequency data for this variant in the population databases is considered unreliable, as metrics indicate poor data quality at this position in the gnomAD database.

NM_005996.4(TBX3):c.1388C>T (p.Thr463Met)

Gene: TBX3 (T-box transcription factor 3; minus strand). Cytogenetic location: 12q24.21.
Variant type: single nucleotide variant.
Coding change: c.1388C>T on transcript NM_005996.4 (MANE Select); coding-DNA position 1388, C replaced by T.
Protein change: p.Thr463Met; replaces threonine 463 with methionine.
Molecular consequence: missense variant.
Genome position (GRCh38, 1-based): chr12:114,674,487, G>A on the plus strand (C>T on the coding strand, the complement: TBX3 is on the minus strand). VCF-style: chr12-114674487-G-A. GRCh37 (hg19) VCF-style: chr12-115112292-G-A.
Other names: c.1448C>T, p.Thr483Met (NM_016569.4); short protein forms T463M, T483M.
Identifiers: ClinVar variation 3018574 (VCV003018574.3), dbSNP rs1282046318, ClinGen allele CA386869038.